The following is an entry in ClinVar:

ClinVar aggregate classification (germline): Uncertain significance (1 of 4 stars; one submission).

Conditions:
Spermatogenic failure 18. Identifiers: MedGen C4539783, MONDO:0054615, OMIM 617576.
Ciliary dyskinesia, primary, 37 (CILD37). Also called: CILIARY DYSKINESIA, PRIMARY, 37, WITH OR WITHOUT SITUS INVERSUS. Identifiers: MedGen C4539798, MONDO:0033204, OMIM 617577.

Allele frequency attached by ClinVar (database versions not stated): ExAC 0.00002; gnomAD 0.00003; gnomAD exomes 0.00005; 1000 Genomes Project 30x 0.00016; 1000 Genomes Project 0.00020.
gnomAD v4.1: 43 of 1,613,438 alleles (0.0027%); highest among the groups gnomAD compares: South Asian, 0.035%; no homozygotes.

Submission:

Labcorp Genetics (formerly Invitae), Labcorp
Classification: Uncertain significance for Ciliary dyskinesia, primary, 37; Spermatogenic failure 18. Last evaluated: 2022-12-14. Review status: criteria provided, single submitter. Criteria: Invitae Variant Classification Sherloc (09022015). Collection method: clinical testing. Allele origin: germline.
Comment: In summary, the available evidence is currently insufficient to determine the role of this variant in disease. Therefore, it has been classified as a Variant of Uncertain Significance. Advanced modeling of protein sequence and biophysical properties (such as structural, functional, and spatial information, amino acid conservation, physicochemical variation, residue mobility, and thermodynamic stability) performed at Invitae indicates that this missense variant is not expected to disrupt DNAH1 protein function. ClinVar contains an entry for this variant (Variation ID: 1521907). This variant has not been reported in the literature in individuals affected with DNAH1-related conditions. This variant is present in population databases (rs529294306, gnomAD 0.02%). This sequence change replaces aspartic acid, which is acidic and polar, with asparagine, which is neutral and polar, at codon 3462 of the DNAH1 protein (p.Asp3462Asn).

NM_015512.5(DNAH1):c.10384G>A (p.Asp3462Asn)

Gene: DNAH1 (dynein axonemal heavy chain 1; plus strand). Cytogenetic location: 3p21.1.
Variant type: single nucleotide variant.
Coding change: c.10384G>A on transcript NM_015512.5 (MANE Select); coding-DNA position 10384, G replaced by A.
Protein change: p.Asp3462Asn; replaces aspartic acid 3462 with asparagine.
Molecular consequence: missense variant.
Genome position (GRCh38, 1-based): chr3:52,392,935, G>A. VCF-style: chr3-52392935-G-A. GRCh37 (hg19) VCF-style: chr3-52426951-G-A.
Other names: short protein forms D3462N.
Identifiers: ClinVar variation 1521907 (VCV001521907.7), dbSNP rs529294306, ClinGen allele CA2435818.